The following is an entry in ClinVar:

NM_033225.6(CSMD1):c.186C>T (p.Ile62=)

Gene: CSMD1 (CUB and Sushi multiple domains 1; minus strand). Cytogenetic location: 8p23.2.
Variant type: single nucleotide variant.
Coding change: c.186C>T on transcript NM_033225.6 (MANE Select); coding-DNA position 186, C replaced by T.
Protein change: p.Ile62=; no amino-acid change (isoleucine 62 retained).
Molecular consequence: synonymous variant.
Genome position (GRCh38, 1-based): chr8:4,637,458, G>A on the plus strand (C>T on the coding strand, the complement: CSMD1 is on the minus strand). VCF-style: chr8-4637458-G-A. GRCh37 (hg19) VCF-style: chr8-4494980-G-A.
Identifiers: ClinVar variation 3051743 (VCV003051743.2), dbSNP rs36074048, ClinGen allele CA459145546.
Genomic context (GRCh38, chr8:4,637,458, plus strand): 5'-ATCTTCTTCAAGAGCAAAGGTATGGAAGGACAACTGTATCCTATTGCGCTCGCCCGTGAT[G>A]ATGATCCAGGTGCAGTTGGCATAGTTCGGATACCCGTGAGGAAACCCTGGGCTCTCAATA-3'
Protein context (NP_150094.5, residues 52-72): YPNYANCTWI[Ile62=]ITGERNRIQL

ClinVar aggregate classification (germline): Likely benign (0 of 4 stars; one submission).

Conditions:
CSMD1-related disorder. Also called: CSMD1-related condition.

gnomAD v4.1: 9 of 1,613,820 alleles (0.00056%); highest among the groups gnomAD compares: East Asian, 0.011%; no homozygotes.

Submission:

PreventionGenetics, part of Exact Sciences
Classification: Likely benign for CSMD1-related condition. Last evaluated: 2020-02-21. Review status: no assertion criteria provided. Collection method: clinical testing. Allele origin: germline.
Comment: This variant is classified as likely benign based on ACMG/AMP sequence variant interpretation guidelines (Richards et al. 2015 PMID: 25741868, with internal and published modifications).